The following is an entry in ClinVar:

ClinVar aggregate classification (germline): Conflicting classifications of pathogenicity. Review status: criteria provided, conflicting classifications (1 of 4 stars). 8 submissions from 8 submitters: Uncertain significance (1); Benign (2); Likely benign (4). 1 of the submissions does not count toward it. Last evaluated 2024-10-23.

Conditions:
Cardiovascular phenotype. Identifiers: MedGen CN230736.
Cardiomyopathy (CMYO). Also called: Cardiomyopathies. Identifiers: Orphanet 167848, MedGen C0878544, MONDO:0004994, HP:0001638. Inheritance: Various modes of inheritance.
Hypertrophic cardiomyopathy. Also called: HYPERTROPHIC MYOCARDIOPATHY. Identifiers: Orphanet 217569, MedGen C0007194, MeSH D002312, MONDO:0005045, HP:0001639.

Allele frequency attached by ClinVar (database versions not stated): gnomAD exomes 0.00002 and 0.00003; ExAC 0.00003; TOPMed 0.00006; gnomAD 0.00008.
gnomAD v4.1: 41 of 1,614,206 alleles (0.0025%); highest among the groups gnomAD compares: African/African-American, 0.024%; no homozygotes.

Submissions (8):

Labcorp Genetics (formerly Invitae), Labcorp
Classification: Uncertain significance for Hypertrophic cardiomyopathy. Last evaluated: 2024-10-23. Review status: criteria provided, single submitter. Criteria: Invitae Variant Classification Sherloc (09022015). Collection method: clinical testing. Allele origin: germline.
Comment: This sequence change affects codon 469 of the MYH7 mRNA. It is a 'silent' change, meaning that it does not change the encoded amino acid sequence of the MYH7 protein. It affects a nucleotide within the consensus splice site. This variant is present in population databases (rs112172952, gnomAD 0.03%). This variant has not been reported in the literature in individuals affected with MYH7-related conditions. ClinVar contains an entry for this variant (Variation ID: 138393). Algorithms developed to predict the effect of sequence changes on RNA splicing suggest that this variant is not likely to affect RNA splicing. In summary, the available evidence is currently insufficient to determine the role of this variant in disease. Therefore, it has been classified as a Variant of Uncertain Significance.

All of Us Research Program, National Institutes of Health
Classification: Likely benign for Cardiomyopathy. Last evaluated: 2023-12-13. Review status: criteria provided, single submitter. Criteria: ACMG Guidelines, 2015. Collection method: clinical testing. Allele origin: germline. Inheritance: Autosomal dominant inheritance. Observed: 9 variant alleles, 9 heterozygotes.
Comment: This study involves interpretation of variants in research participants for the purpose of population health screening. Participant phenotype was not available at the time of variant classification. Additional details can be found in publication PMID: 35346344, PMCID: PMC8962531

Blueprint Genetics
Classification: Likely benign. Last evaluated: 2019-10-16. Review status: criteria provided, single submitter. Criteria: ACMG Guidelines, 2015. Collection method: clinical testing. Allele origin: germline.

Color Diagnostics, LLC DBA Color Health
Classification: Likely benign for Cardiomyopathy. Last evaluated: 2019-10-09. Review status: criteria provided, single submitter. Criteria: ACMG Guidelines, 2015. Collection method: clinical testing. Allele origin: germline.

Ambry Genetics
Classification: Likely benign for Cardiovascular phenotype. Last evaluated: 2019-09-25. Review status: criteria provided, single submitter. Criteria: Ambry Variant Classification Scheme 2023. Collection method: clinical testing. Allele origin: germline.

GeneDx
Classification: Benign. Last evaluated: 2014-01-11. Review status: criteria provided, single submitter. Criteria: GeneDx Variant Classification (06012015). Collection method: clinical testing. Allele origin: germline. Affected: yes.
Comment: This variant is considered likely benign or benign based on one or more of the following criteria: it is a conservative change, it occurs at a poorly conserved position in the protein, it is predicted to be benign by multiple in silico algorithms, and/or has population frequency not consistent with disease.

Molecular Diagnostic Laboratory for Inherited Cardiovascular Disease, Montreal Heart Institute
Classification: Benign. Review status: criteria provided, single submitter. Criteria: ACMG Guidelines, 2015. Collection method: clinical testing. Allele origin: germline. Affected: yes.

Cohesion Phenomics
Classification: Benign for Hypertrophic Cardiomyopathy. Last evaluated: 2022-10-10. Review status: no assertion criteria provided. Criteria: ACMG Guidelines, 2015. Collection method: clinical testing. Allele origin: germline. Affected: yes. Not counted in ClinVar's aggregate classification.

NM_000257.4(MYH7):c.1407T>C (p.Asp469=)

Gene: MYH7 (myosin heavy chain 7; minus strand). Cytogenetic location: 14q11.2.
Variant type: single nucleotide variant.
Coding change: c.1407T>C on transcript NM_000257.4 (MANE Select); coding-DNA position 1407, T replaced by C.
Protein change: p.Asp469=; no amino-acid change (aspartic acid 469 retained).
Molecular consequence: synonymous variant.
Genome position (GRCh38, 1-based): chr14:23,428,955, A>G on the plus strand (T>C on the coding strand, the complement: MYH7 is on the minus strand). VCF-style: chr14-23428955-A-G. GRCh37 (hg19) VCF-style: chr14-23898164-A-G.
Other names: p.D469D:GAT>GAC; c.1407T>C (LRG_384t1).
Identifiers: ClinVar variation 138393 (VCV000138393.17), dbSNP rs112172952, ClinGen allele CA010726.